The following is an entry in ClinVar:

ClinVar aggregate classification (germline): Uncertain significance (1 of 4 stars; one submission).

Submission:

Ambry Genetics
Classification: Uncertain significance. Last evaluated: 2024-06-01. Review status: criteria provided, single submitter. Criteria: Ambry Variant Classification Scheme 2023. Collection method: clinical testing. Allele origin: germline.
Comment: The p.T173M variant (also known as c.518C>T), located in coding exon 1 of the TERF2IP gene, results from a C to T substitution at nucleotide position 518. The threonine at codon 173 is replaced by methionine, an amino acid with similar properties. This amino acid position is conserved. In addition, the in silico prediction for this alteration is inconclusive. Based on the available evidence, the clinical significance of this variant remains unclear.

NM_018975.4(TERF2IP):c.518C>T (p.Thr173Met)

Gene: TERF2IP (TERF2 interacting protein; plus strand). Cytogenetic location: 16q23.1.
Variant type: single nucleotide variant.
Coding change: c.518C>T on transcript NM_018975.4 (MANE Select); coding-DNA position 518, C replaced by T.
Protein change: p.Thr173Met; replaces threonine 173 with methionine.
Molecular consequence: missense variant. On other transcripts: non-coding transcript variant (1).
Genome position (GRCh38, 1-based): chr16:75,648,400, C>T. VCF-style: chr16-75648400-C-T. GRCh37 (hg19) VCF-style: chr16-75682298-C-T.
Other names: short protein forms T173M.
Identifiers: ClinVar variation 3325468 (VCV003325468.1).